The following is an entry in ClinVar:

NM_000051.4(ATM):c.5301del (p.Phe1767fs)

Gene: ATM (ATM serine/threonine kinase; plus strand). Cytogenetic location: 11q22.3.
Variant type: Deletion.
Coding change: c.5301del on transcript NM_000051.4 (MANE Select); coding-DNA position 5301, one base deleted (T; older notation c.5301delT).
Protein change: p.Phe1767fs; shifts the reading frame from phenylalanine 1767.
Molecular consequence: frameshift variant.
Genome position (GRCh38, 1-based): chr11:108,301,771, T deleted; the last of 4 consecutive T bases (chr11:108,301,768-108,301,771); deleting any one gives the same sequence. VCF-style (leftmost placement, unchanged base first): chr11-108301767-CT-C. GRCh37 (hg19) VCF-style: chr11-108172494-CT-C.
Other names: c.5301delT, p.Phe1767Leufs (NM_000051.3); c.5301del, p.Phe1767fs (NM_001351834.2); short protein forms F1767fs.
Identifiers: ClinVar variation 1746708 (VCV001746708.3), dbSNP rs2546974113, ClinGen allele CA2580083070.

ClinVar aggregate classification (germline): Pathogenic. Review status: criteria provided, multiple submitters, no conflicts (2 of 4 stars). 2 submissions from 2 submitters: Pathogenic (2). Last evaluated 2024-01-25.

Conditions:
Hereditary cancer-predisposing syndrome. Also called: Hereditary Cancer Syndrome; Neoplastic Syndromes, Hereditary; Tumor predisposition; Hereditary neoplastic syndrome. Identifiers: Orphanet 140162, MedGen C0027672, MeSH D009386, MONDO:0015356.
Familial cancer of breast. Also called: BREAST CANCER, FAMILIAL; Hereditary breast cancer; hereditary breast carcinoma. Identifiers: Orphanet 227535, MedGen C0346153, MONDO:0016419, OMIM 114480. Disease mechanism: loss of function.

Submissions (2):

Myriad Genetics, Inc.
Classification: Pathogenic for Familial cancer of breast. Last evaluated: 2024-01-25. Review status: criteria provided, single submitter. Criteria: Myriad Autosomal Dominant, Autosomal Recessive and X-Linked Classification Criteria (2023). Collection method: clinical testing. Allele origin: unknown.
Comment: This variant is considered pathogenic. This variant creates a frameshift predicted to result in premature protein truncation.

Ambry Genetics
Classification: Pathogenic for Hereditary cancer-predisposing syndrome. Last evaluated: 2021-01-15. Review status: criteria provided, single submitter. Criteria: Ambry Variant Classification Scheme 2023. Collection method: clinical testing. Allele origin: germline.
Comment: The c.5301delT pathogenic mutation, located in coding exon 34 of the ATM gene, results from a deletion of one nucleotide at nucleotide position 5301, causing a translational frameshift with a predicted alternate stop codon (p.F1767Lfs*9). This alteration was seen in conjuction with a nonsense ATM mutation in an individual diagnosed with ataxia telangiectasia (Micol R et al. J Allergy Clin Immunol, 2011 Aug;128:382-9.e1). In addition to the clinical data presented in the literature, this alteration is expected to result in loss of function by premature protein truncation or nonsense-mediated mRNA decay. As such, this alteration is interpreted as a disease-causing mutation.

Literature cited by the submitters: PubMed 21665257 (cited by Ambry Genetics).